The following is an entry in ClinVar:

ClinVar aggregate classification (germline): Uncertain significance (1 of 4 stars; one submission).

Conditions:
Perlman syndrome (PRLMNS). Identifiers: Orphanet 2849, MedGen C0796113, MONDO:0009965, OMIM 267000.

Allele frequency attached by ClinVar (database versions not stated): gnomAD exomes below 0.00001; TOPMed below 0.00001.
gnomAD v4.1: 3 of 1,612,718 alleles (0.00019%); highest among the groups gnomAD compares: South Asian, 0.0011%; no homozygotes.

Submission:

Labcorp Genetics (formerly Invitae), Labcorp
Classification: Uncertain significance for Perlman syndrome. Last evaluated: 2023-04-22. Review status: criteria provided, single submitter. Criteria: Invitae Variant Classification Sherloc (09022015). Collection method: clinical testing. Allele origin: germline.
Comment: This sequence change replaces aspartic acid, which is acidic and polar, with asparagine, which is neutral and polar, at codon 708 of the DIS3L2 protein (p.Asp708Asn). In summary, the available evidence is currently insufficient to determine the role of this variant in disease. Therefore, it has been classified as a Variant of Uncertain Significance. Advanced modeling of protein sequence and biophysical properties (such as structural, functional, and spatial information, amino acid conservation, physicochemical variation, residue mobility, and thermodynamic stability) performed at Invitae indicates that this missense variant is expected to disrupt DIS3L2 protein function. ClinVar contains an entry for this variant (Variation ID: 1010023). This variant has not been reported in the literature in individuals affected with DIS3L2-related conditions. This variant is not present in population databases (gnomAD no frequency).

NM_152383.5(DIS3L2):c.2122G>A (p.Asp708Asn)

Gene: DIS3L2 (DIS3 like 3'-5' exoribonuclease 2; plus strand). Cytogenetic location: 2q37.1.
Variant type: single nucleotide variant.
Coding change: c.2122G>A on transcript NM_152383.5 (MANE Select); coding-DNA position 2122, G replaced by A.
Protein change: p.Asp708Asn; replaces aspartic acid 708 with asparagine.
Molecular consequence: missense variant. On other transcripts: non-coding transcript variant (2), intron variant (1).
Genome position (GRCh38, 1-based): chr2:232,333,951, G>A. VCF-style: chr2-232333951-G-A. GRCh37 (hg19) VCF-style: chr2-233198661-G-A.
Other names: c.1582-9394G>A (NM_001257281.2); short protein forms D708N.
Identifiers: ClinVar variation 1010023 (VCV001010023.8), dbSNP rs1342603922, ClinGen allele CA350977525.
Genomic context (GRCh38, chr2:232,333,951, plus strand): 5'-CACTACGCGCTCAATGTGCCCCTGTACACACACTTCACCTCGCCCATCCGCCGCTTTGCC[G>A]ACGTCCTGGTGCACCGCCTCCTGGCTGCCGCGTTAGGTGAGGGGTGCAGTCGGGGTCAGG-3'
Protein context (NP_689596.4, residues 698-718): HFTSPIRRFA[Asp708Asn]VLVHRLLAAA